The following is an entry in ClinVar:

ClinVar aggregate classification (germline): Uncertain significance (1 of 4 stars; one submission).

Allele frequency attached by ClinVar (database versions not stated): gnomAD exomes below 0.00001.
gnomAD v4.1: 2 of 1,613,862 alleles (0.00012%); highest among the groups gnomAD compares: Middle Eastern, 0.016%; no homozygotes.

Submission:

Labcorp Genetics (formerly Invitae), Labcorp
Classification: Uncertain significance. Last evaluated: 2022-10-19. Review status: criteria provided, single submitter. Criteria: Invitae Variant Classification Sherloc (09022015). Collection method: clinical testing. Allele origin: germline.
Comment: This sequence change creates a premature translational stop signal (p.Gln724*) in the CLCN6 gene. It is expected to result in an absent or disrupted protein product. However, the current clinical and genetic evidence is not sufficient to establish whether loss-of-function variants in CLCN6 cause disease. This variant is present in population databases (no rsID available, gnomAD 0.0009%). This variant has not been reported in the literature in individuals affected with CLCN6-related conditions. Experimental studies and prediction algorithms are not available or were not evaluated, and the functional significance of this variant is currently unknown. In summary, the available evidence is currently insufficient to determine the role of this variant in disease. Therefore, it has been classified as a Variant of Uncertain Significance.

NM_001286.5(CLCN6):c.2170C>T (p.Gln724Ter)

Gene: CLCN6 (chloride voltage-gated channel 6; plus strand). Cytogenetic location: 1p36.22.
Variant type: single nucleotide variant.
Coding change: c.2170C>T on transcript NM_001286.5 (MANE Select); coding-DNA position 2170, C replaced by T.
Protein change: p.Gln724Ter; replaces glutamine 724 with a stop codon.
Molecular consequence: nonsense. On other transcripts: non-coding transcript variant (1).
Genome position (GRCh38, 1-based): chr1:11,837,374, C>T. VCF-style: chr1-11837374-C-T. GRCh37 (hg19) VCF-style: chr1-11897431-C-T.
Other names: c.2104C>T, p.Gln702Ter (NM_001256959.2); short protein forms Q724*, Q702*.
Identifiers: ClinVar variation 2036047 (VCV002036047.4), dbSNP rs1352463915, ClinGen allele CA338440671.